The following is an entry in ClinVar:

ClinVar aggregate classification (germline): Likely benign. Review status: criteria provided, multiple submitters, no conflicts (2 of 4 stars). 4 submissions from 4 submitters: Likely benign (4). Last evaluated 2026-01-17.

Conditions:
Loeys-Dietz syndrome (LDS). Identifiers: Orphanet 60030, MedGen C2697932, MONDO:0018954.
Familial thoracic aortic aneurysm and aortic dissection (TAAD). Also called: Thoracic aortic aneurysms and dissections. Identifiers: Orphanet 91387, MedGen C4707243, MONDO:0019625.

gnomAD v4.1: 3 of 1,614,022 alleles (0.00019%); highest among the groups gnomAD compares: Non-Finnish European, 0.00025%; no homozygotes.

Submissions (4):

Labcorp Genetics (formerly Invitae), Labcorp
Classification: Likely benign for Familial thoracic aortic aneurysm and aortic dissection. Last evaluated: 2026-01-17. Review status: criteria provided, single submitter. Criteria: Invitae Variant Classification Sherloc (09022015). Collection method: clinical testing. Allele origin: germline.

All of Us Research Program, National Institutes of Health
Classification: Likely benign for Loeys-Dietz syndrome. Last evaluated: 2023-06-28. Review status: criteria provided, single submitter. Criteria: ACMG Guidelines, 2015. Collection method: clinical testing. Allele origin: germline. Inheritance: Autosomal dominant inheritance. Observed: 1 variant allele, 1 heterozygote.
Comment: This study involves interpretation of variants in research participants for the purpose of population health screening. Participant phenotype was not available at the time of variant classification. Additional details can be found in publication PMID: 35346344, PMCID: PMC8962531

Ambry Genetics
Classification: Likely benign for Familial thoracic aortic aneurysm and aortic dissection. Last evaluated: 2022-08-17. Review status: criteria provided, single submitter. Criteria: Ambry Variant Classification Scheme 2023. Collection method: clinical testing. Allele origin: germline.

Color Diagnostics, LLC DBA Color Health
Classification: Likely benign for Familial thoracic aortic aneurysm and aortic dissection. Last evaluated: 2019-12-03. Review status: criteria provided, single submitter. Criteria: ACMG Guidelines, 2015. Collection method: clinical testing. Allele origin: germline.

NM_004612.4(TGFBR1):c.702C>T (p.Phe234=)

Gene: TGFBR1 (transforming growth factor beta receptor 1; plus strand). Cytogenetic location: 9q22.33.
Variant type: single nucleotide variant.
Coding change: c.702C>T on transcript NM_004612.4 (MANE Select); coding-DNA position 702, C replaced by T.
Protein change: p.Phe234=; no amino-acid change (phenylalanine 234 retained).
Molecular consequence: synonymous variant.
Genome position (GRCh38, 1-based): chr9:99,137,986, C>T. VCF-style: chr9-99137986-C-T. GRCh37 (hg19) VCF-style: chr9-101900268-C-T.
Other names: c.471C>T, p.Phe157= (NM_001130916.3); c.714C>T, p.Phe238= (NM_001306210.2); c.702C>T (NM_004612.2).
Identifiers: ClinVar variation 919073 (VCV000919073.14), dbSNP rs202156059, ClinGen allele CA196889032.